The following is an entry in ClinVar:

NM_001145252.3(CFP):c.464G>T (p.Gly155Val)

Gene: CFP (complement factor properdin; minus strand). Cytogenetic location: Xp11.23.
Variant type: single nucleotide variant.
Coding change: c.464G>T on transcript NM_001145252.3 (MANE Select); coding-DNA position 464, G replaced by T.
Protein change: p.Gly155Val; replaces glycine 155 with valine.
Molecular consequence: missense variant.
Genome position (GRCh38, 1-based): chrX:47,627,581, C>A on the plus strand (G>T on the coding strand, the complement: CFP is on the minus strand). VCF-style: chrX-47627581-C-A. GRCh37 (hg19) VCF-style: chrX-47486980-C-A.
Other names: c.464G>T, p.Gly155Val (NM_002621.2); short protein forms G155V.
Identifiers: ClinVar variation 4807064 (VCV004807064.1).

ClinVar aggregate classification (germline): Uncertain significance (1 of 4 stars; one submission).

gnomAD v4.1: 8 of 1,205,232 alleles (0.00066%); highest among the groups gnomAD compares: Non-Finnish European, 0.0009%; no homozygotes.

Submission:

Labcorp Genetics (formerly Invitae), Labcorp
Classification: Uncertain significance. Last evaluated: 2025-10-25. Review status: criteria provided, single submitter. Criteria: Invitae Variant Classification Sherloc (09022015). Collection method: clinical testing. Allele origin: germline.
Comment: This sequence change replaces glycine, which is neutral and non-polar, with valine, which is neutral and non-polar, at codon 155 of the CFP protein (p.Gly155Val). This variant is not present in population databases (gnomAD no frequency). This variant has not been reported in the literature in individuals affected with CFP-related conditions. Invitae Evidence Modeling of protein sequence and biophysical properties (such as structural, functional, and spatial information, amino acid conservation, physicochemical variation, residue mobility, and thermodynamic stability) indicates that this missense variant is expected to disrupt CFP protein function with a positive predictive value of 80%. In summary, the available evidence is currently insufficient to determine the role of this variant in disease. Therefore, it has been classified as a Variant of Uncertain Significance.